The following is an entry in ClinVar:

NM_001130009.3(GEN1):c.2573A>G (p.Glu858Gly)

Gene: GEN1 (GEN1 Holliday junction 5' flap endonuclease; plus strand). Cytogenetic location: 2p24.2.
Variant type: single nucleotide variant.
Coding change: c.2573A>G on transcript NM_001130009.3 (MANE Select); coding-DNA position 2573, A replaced by G.
Protein change: p.Glu858Gly; replaces glutamic acid 858 with glycine.
Molecular consequence: missense variant.
Genome position (GRCh38, 1-based): chr2:17,781,785, A>G. VCF-style: chr2-17781785-A-G. GRCh37 (hg19) VCF-style: chr2-17963052-A-G.
Other names: c.2573A>G, p.Glu858Gly (NM_182625.5); short protein forms E858G.
Identifiers: ClinVar variation 4029327 (VCV004029327.1).

ClinVar aggregate classification (germline): Uncertain significance (1 of 4 stars; one submission).

Submission:

Ambry Genetics
Classification: Uncertain significance. Last evaluated: 2025-06-01. Review status: criteria provided, single submitter. Criteria: Ambry Variant Classification Scheme 2023. Collection method: clinical testing. Allele origin: germline.
Comment: The p.E858G variant (also known as c.2573A>G), located in coding exon 13 of the GEN1 gene, results from an A to G substitution at nucleotide position 2573. The glutamic acid at codon 858 is replaced by glycine, an amino acid with similar properties. This amino acid position is conserved. In addition, this alteration is predicted to be tolerated by in silico analysis. Based on the available evidence, the clinical significance of this variant remains unclear.